The following is an entry in ClinVar:

ClinVar aggregate classification (germline): Conflicting classifications of pathogenicity. Review status: criteria provided, conflicting classifications (1 of 4 stars). 5 submissions from 5 submitters: Uncertain significance (1); Benign (2); Likely benign (2). Last evaluated 2025-08-07.

Conditions:
Pheochromocytoma/paraganglioma syndrome 4. Also called: CAROTID BODY TUMORS AND MULTIPLE EXTRAADRENAL PHEOCHROMOCYTOMAS; SDHB-Related Hereditary Paraganglioma-Pheochromocytoma Syndrome; Paragangliomas 4; SDHB-Related Hereditary Paraganglioma-Pheochromocytoma Syndrome (Paragangliomas 4); PARAGANGLIOMA, FAMILIAL MALIGNANT; PARAGANGLIOMAS, HEREDITARY EXTRAADRENAL. Identifiers: Orphanet 29072, MedGen C1861848, MONDO:0007273, OMIM 115310.
Hereditary cancer-predisposing syndrome. Also called: Neoplastic Syndromes, Hereditary; Hereditary Cancer Syndrome; Hereditary neoplastic syndrome; Tumor predisposition. Identifiers: Orphanet 140162, MedGen C0027672, MeSH D009386, MONDO:0015356.
Gastrointestinal stromal tumor. Also called: Gastrointestinal stromal tumor, somatic; Gastrointestinal stroma tumor. Identifiers: Orphanet 44890, MedGen C0238198, MeSH D046152, MONDO:0011719, OMIM 606764, HP:0100723.
Pheochromocytoma. Also called: MAX-Related Hereditary Paraganglioma-Pheochromocytoma Syndrome. Identifiers: Orphanet 29072, MedGen C0031511, MONDO:0008233, OMIM 171300, HP:0002666.

Submissions (5):

Labcorp Genetics (formerly Invitae), Labcorp
Classification: Benign for Gastrointestinal stromal tumor; Pheochromocytoma/paraganglioma syndrome 4; Pheochromocytoma. Last evaluated: 2025-08-07. Review status: criteria provided, single submitter. Criteria: Invitae Variant Classification Sherloc (09022015). Collection method: clinical testing. Allele origin: germline.

Center for Genomic Medicine, Rigshospitalet, Copenhagen University Hospital
Classification: Likely benign. Last evaluated: 2025-03-04. Review status: criteria provided, single submitter. Criteria: ACMG Guidelines, 2015. Collection method: clinical testing. Allele origin: germline.

Sema4
Classification: Benign for Hereditary cancer-predisposing syndrome. Last evaluated: 2021-04-22. Review status: criteria provided, single submitter. Criteria: Sema4 Curation Guidelines. Collection method: curation. Allele origin: germline.

GeneDx
Classification: Likely benign. Last evaluated: 2019-02-26. Review status: criteria provided, single submitter. Criteria: GeneDx Variant Classification Process June 2021. Collection method: clinical testing. Allele origin: germline. Affected: yes.
Comment: This variant is associated with the following publications: (PMID: 12618761)

Baylor Genetics
Classification: Uncertain significance for Pheochromocytoma/paraganglioma syndrome 4. Last evaluated: 2018-11-07. Review status: criteria provided, single submitter. Criteria: ACMG Guidelines, 2015. Collection method: clinical testing. Allele origin: maternal. Affected: yes. Study: CSER-TexasKidsCanSeq.
Comment: This variant was determined to be of uncertain significance according to ACMG Guidelines, 2015 [PMID:25741868].

NM_003000.3(SDHB):c.73-29del

Gene: SDHB (succinate dehydrogenase complex iron sulfur subunit B; minus strand). Cytogenetic location: 1p36.13.
Variant type: Deletion.
Coding change: c.73-29del on transcript NM_003000.3 (MANE Select); 29 bases into the intron before coding-DNA position 73, one base deleted (T; older notation c.73-29delT).
Molecular consequence: intron variant.
Genome position (GRCh38, 1-based): chr1:17,044,917, A deleted on the plus strand (T on the coding strand, the reverse complement: SDHB is on the minus strand); the first of 9 consecutive A bases (chr1:17,044,917-17,044,925); deleting any one gives the same sequence. VCF-style (leftmost placement, unchanged base first): chr1-17044916-GA-G. GRCh37 (hg19) VCF-style: chr1-17371411-GA-G.
Other names: c.73-29delT (NM_003000.3).
Identifiers: ClinVar variation 998298 (VCV000998298.17), dbSNP rs745905902, ClinGen allele CA089735.